The following is an entry in ClinVar:

ClinVar aggregate classification (germline): Uncertain significance. Review status: criteria provided, multiple submitters, no conflicts (2 of 4 stars). 2 submissions from 2 submitters: Uncertain significance (2). Last evaluated 2024-11-15.

Conditions:
KMT2E-related disorder. Also called: KMT2E-related condition.

Submissions (2):

Labcorp Genetics (formerly Invitae), Labcorp
Classification: Uncertain significance. Last evaluated: 2024-11-15. Review status: criteria provided, single submitter. Criteria: Invitae Variant Classification Sherloc (09022015). Collection method: clinical testing. Allele origin: germline.
Comment: This sequence change replaces glutamine, which is neutral and polar, with arginine, which is basic and polar, at codon 1558 of the KMT2E protein (p.Gln1558Arg). This variant is not present in population databases (gnomAD no frequency). This variant has not been reported in the literature in individuals affected with KMT2E-related conditions. ClinVar contains an entry for this variant (Variation ID: 2782999). An algorithm developed to predict the effect of missense changes on protein structure and function (PolyPhen-2) suggests that this variant is likely to be tolerated. In summary, the available evidence is currently insufficient to determine the role of this variant in disease. Therefore, it has been classified as a Variant of Uncertain Significance.

PreventionGenetics, part of Exact Sciences
Classification: Uncertain significance for KMT2E-related condition. Last evaluated: 2024-10-04. Review status: criteria provided, single submitter. Criteria: ACMG Guidelines, 2015. Collection method: clinical testing. Allele origin: germline.
Comment: The KMT2E c.4673A>G variant is predicted to result in the amino acid substitution p.Gln1558Arg. To our knowledge, this variant has not been reported in the literature or in a large population database (gnomAD), indicating this variant is rare. At this time, the clinical significance of this variant is uncertain due to the absence of conclusive functional and genetic evidence.

NM_182931.3(KMT2E):c.4673A>G (p.Gln1558Arg)

Gene: KMT2E (lysine methyltransferase 2E (inactive); plus strand). Cytogenetic location: 7q22.3.
Variant type: single nucleotide variant.
Coding change: c.4673A>G on transcript NM_182931.3 (MANE Select); coding-DNA position 4673, A replaced by G.
Protein change: p.Gln1558Arg; replaces glutamine 1558 with arginine.
Molecular consequence: missense variant.
Genome position (GRCh38, 1-based): chr7:105,112,429, A>G. VCF-style: chr7-105112429-A-G. GRCh37 (hg19) VCF-style: chr7-104752876-A-G.
Other names: c.4547A>G, p.Gln1516Arg (NM_001410908.1); c.4673A>G, p.Gln1558Arg (NM_018682.4); c.4673A>G (NM_182931.2); short protein forms Q1516R, Q1558R.
Identifiers: ClinVar variation 2782999 (VCV002782999.4), dbSNP rs1799345195, ClinGen allele CA368793152.